The following is an entry in ClinVar:

NM_004655.4(AXIN2):c.639G>A (p.Gly213=)

Gene: AXIN2 (axin 2; minus strand). Cytogenetic location: 17q24.1.
Variant type: single nucleotide variant.
Coding change: c.639G>A on transcript NM_004655.4 (MANE Select); coding-DNA position 639, G replaced by A.
Protein change: p.Gly213=; no amino-acid change (glycine 213 retained).
Molecular consequence: synonymous variant.
Genome position (GRCh38, 1-based): chr17:65,557,982, C>T on the plus strand (G>A on the coding strand, the complement: AXIN2 is on the minus strand). VCF-style: chr17-65557982-C-T. GRCh37 (hg19) VCF-style: chr17-63554100-C-T.
Other names: c.639G>A, p.Gly213= (NM_001363813.1).
Identifiers: ClinVar variation 3254309 (VCV003254309.1), dbSNP rs2544248704.

ClinVar aggregate classification (germline): Benign (1 of 4 stars; one submission).

Conditions:
Oligodontia-cancer predisposition syndrome. Also called: TOOTH AGENESIS-COLORECTAL CANCER SYNDROME. Identifiers: Orphanet 300576, MedGen C1837750, MONDO:0012075, OMIM 608615. Disease mechanism: loss of function.

Submission:

Myriad Genetics, Inc.
Classification: Benign for Oligodontia-cancer predisposition syndrome. Last evaluated: 2024-06-27. Review status: criteria provided, single submitter. Criteria: Myriad Autosomal Dominant, Autosomal Recessive and X-Linked Classification Criteria (2023). Collection method: clinical testing. Allele origin: unknown.
Comment: This variant is considered benign. This variant is a silent/synonymous amino acid change and it is not expected to impact splicing.